The following is an entry in ClinVar:

NM_005548.3(KARS1):c.1180A>G (p.Ile394Val)

Gene: KARS1 (lysyl-tRNA synthetase 1; minus strand). Cytogenetic location: 16q23.1.
Variant type: single nucleotide variant.
Coding change: c.1180A>G on transcript NM_005548.3 (MANE Select); coding-DNA position 1180, A replaced by G.
Protein change: p.Ile394Val; replaces isoleucine 394 with valine.
Molecular consequence: missense variant.
Genome position (GRCh38, 1-based): chr16:75,631,488, T>C on the plus strand (A>G on the coding strand, the complement: KARS1 is on the minus strand). VCF-style: chr16-75631488-T-C. GRCh37 (hg19) VCF-style: chr16-75665386-T-C.
Other names: c.1264A>G, p.Ile422Val (NM_001130089.2); c.712A>G, p.Ile238Val (NM_001378148.1); short protein forms I238V, I394V, I422V.
Identifiers: ClinVar variation 3777323 (VCV003777323.1).

ClinVar aggregate classification (germline): Uncertain significance (1 of 4 stars; one submission).

gnomAD v4.1: 30 of 1,614,088 alleles (0.0019%); highest among the groups gnomAD compares: Non-Finnish European, 0.0024%; no homozygotes.

Submission:

GeneDx
Classification: Uncertain significance. Last evaluated: 2024-10-14. Review status: criteria provided, single submitter. Criteria: GeneDx Variant Classification Process June 2021. Collection method: clinical testing. Allele origin: germline. Affected: yes.
Comment: Not observed at significant frequency in large population cohorts (gnomAD); In silico analysis indicates that this missense variant does not alter protein structure/function; Has not been previously published as pathogenic or benign to our knowledge